The following is an entry in ClinVar:

NM_017802.4(DNAAF5):c.1328C>T (p.Thr443Met)

Gene: DNAAF5 (dynein axonemal assembly factor 5; plus strand). Cytogenetic location: 7p22.3.
Variant type: single nucleotide variant.
Coding change: c.1328C>T on transcript NM_017802.4 (MANE Select); coding-DNA position 1328, C replaced by T.
Protein change: p.Thr443Met; replaces threonine 443 with methionine.
Molecular consequence: missense variant. On other transcripts: non-coding transcript variant (1).
Genome position (GRCh38, 1-based): chr7:756,852, C>T. VCF-style: chr7-756852-C-T. GRCh37 (hg19) VCF-style: chr7-796489-C-T.
Other names: short protein forms T443M.
Identifiers: ClinVar variation 644542 (VCV000644542.11), dbSNP rs777008597, ClinGen allele CA4110690.

ClinVar aggregate classification (germline): Conflicting classifications of pathogenicity. Review status: criteria provided, conflicting classifications (1 of 4 stars). 2 submissions from 2 submitters: Uncertain significance (1); Likely benign (1). Last evaluated 2024-12-03.

Conditions:
Primary ciliary dyskinesia. Also called: Ciliary dyskinesia. Identifiers: Orphanet 244, MedGen C0008780, MONDO:0016575, HP:0012265.

Allele frequency attached by ClinVar (database versions not stated): gnomAD 0.00001; gnomAD exomes 0.00001 and 0.00004; ExAC 0.00004.
gnomAD v4.1: 14 of 1,613,856 alleles (0.00087%); highest among the groups gnomAD compares: East Asian, 0.0089%; no homozygotes.

Submissions (2):

Ambry Genetics
Classification: Likely benign for Primary ciliary dyskinesia. Last evaluated: 2024-12-03. Review status: criteria provided, single submitter. Criteria: Ambry Variant Classification Scheme 2023. Collection method: clinical testing. Allele origin: germline.

Labcorp Genetics (formerly Invitae), Labcorp
Classification: Uncertain significance for Primary ciliary dyskinesia. Last evaluated: 2024-08-11. Review status: criteria provided, single submitter. Criteria: Invitae Variant Classification Sherloc (09022015). Collection method: clinical testing. Allele origin: germline.
Comment: This sequence change replaces threonine, which is neutral and polar, with methionine, which is neutral and non-polar, at codon 443 of the DNAAF5 protein (p.Thr443Met). This variant is present in population databases (rs777008597, gnomAD 0.03%). This variant has not been reported in the literature in individuals affected with DNAAF5-related conditions. ClinVar contains an entry for this variant (Variation ID: 644542). Advanced modeling of protein sequence and biophysical properties (such as structural, functional, and spatial information, amino acid conservation, physicochemical variation, residue mobility, and thermodynamic stability) performed at Invitae indicates that this missense variant is not expected to disrupt DNAAF5 protein function with a negative predictive value of 80%. In summary, the available evidence is currently insufficient to determine the role of this variant in disease. Therefore, it has been classified as a Variant of Uncertain Significance.